The following is an entry in ClinVar:

NM_004415.4(DSP):c.6583_6584del (p.His2195fs)

Gene: DSP (desmoplakin; plus strand). Cytogenetic location: 6p24.3.
Variant type: Microsatellite.
Coding change: c.6583_6584del on transcript NM_004415.4 (MANE Select); coding-DNA positions 6583 to 6584, 2 bases deleted (CA; older notation c.6583_6584delCA).
Protein change: p.His2195fs; shifts the reading frame from histidine 2195.
Molecular consequence: frameshift variant.
Genome position (GRCh38, 1-based): chr6:7,583,845-7,583,846, CA deleted; deleting any 2 consecutive bases within chr6:7,583,843-7,583,846 gives the same sequence; the c. name uses the placement nearest the transcript's 3' end. VCF-style (leftmost placement, unchanged base first): chr6-7583842-CCA-C. GRCh37 (hg19) VCF-style: chr6-7584075-CCA-C.
Other names: c.4786_4787del, p.His1596fs (NM_001008844.3); c.5254_5255del, p.His1752fs (NM_001319034.2); short protein forms H1752fs, H1596fs, H2195fs.
Identifiers: ClinVar variation 565543 (VCV000565543.1), dbSNP rs1561702771, ClinGen allele CA891843115.
Genomic context (GRCh38, chr6:7,583,842, plus strand): 5'-GATCCAGTCACCAAAAAGAAGGTCAGTTACGTGCAGCTGAAGGAACGGTGCAGAATCGAA[CCA>C]CATACTGGTCTGCTCTTGCTTTCAGTACAGAAGAGAAGCATGTCCTTCCAAGGAATCAGA-3'

ClinVar aggregate classification (germline): Pathogenic (1 of 4 stars; one submission).

Conditions:
Arrhythmogenic right ventricular dysplasia 8 (ARVD8). Also called: Arrhythmogenic Right Ventricular Dysplasia/Cardiomyopathy 8; ARRHYTHMOGENIC RIGHT VENTRICULAR DYSPLASIA, FAMILIAL, 8; ARRHYTHMOGENIC RIGHT VENTRICULAR CARDIOMYOPATHY 8. Identifiers: MedGen C1843896, MONDO:0011831, OMIM 607450.
Arrhythmogenic cardiomyopathy with wooly hair and keratoderma. Also called: PALMOPLANTAR KERATODERMA WITH LEFT VENTRICULAR CARDIOMYOPATHY AND WOOLLY HAIR; Carvajal syndrome; Dilated cardiomyopathy with woolly hair and keratoderma; Arrhythmogenic cardiomyopathy with woolly hair and keratoderma. Identifiers: Orphanet 65282, MedGen C1854063, MONDO:0011581, OMIM 605676.

Submission:

Labcorp Genetics (formerly Invitae), Labcorp
Classification: Pathogenic for Dilated cardiomyopathy with woolly hair and keratoderma; Arrhythmogenic right ventricular cardiomyopathy, type 8. Last evaluated: 2018-06-12. Review status: criteria provided, single submitter. Criteria: Invitae Variant Classification Sherloc (09022015). Collection method: clinical testing. Allele origin: germline.
Comment: This sequence change results in a premature translational stop signal in the DSP gene (p.His2195Tyrfs*26). While this is not anticipated to result in nonsense mediated decay, it is expected to disrupt the last 677 amino acids of the DSP protein. This variant is not present in population databases (ExAC no frequency). This variant has not been reported in the literature in individuals with DSP-related disease. A different truncation (p.Gly2414*) that lies downstream of this variant has been determined to be pathogenic (Invitae). This suggests that deletion of this region of the DSP protein is causative of disease. For these reasons, this variant has been classified as Pathogenic.